The following is an entry in ClinVar:

NM_000104.4(CYP1B1):c.320T>C (p.Leu107Pro)

Gene: CYP1B1 (cytochrome P450 family 1 subfamily B member 1; minus strand). Cytogenetic location: 2p22.2.
Variant type: single nucleotide variant.
Coding change: c.320T>C on transcript NM_000104.4 (MANE Select); coding-DNA position 320, T replaced by C.
Protein change: p.Leu107Pro; replaces leucine 107 with proline.
Molecular consequence: missense variant.
Genome position (GRCh38, 1-based): chr2:38,075,069, A>G on the plus strand (T>C on the coding strand, the complement: CYP1B1 is on the minus strand). VCF-style: chr2-38075069-A-G. GRCh37 (hg19) VCF-style: chr2-38302212-A-G.
Other names: NM_000104.4:c.320T>C; short protein forms L107P.
Identifiers: ClinVar variation 5037936 (VCV005037936.1).

ClinVar aggregate classification (germline): Uncertain significance (3 of 4 stars; one submission).

Conditions:
CYP1B1-related glaucoma with or without anterior segment dysgenesis. Identifiers: MedGen CN375931, MONDO:0800472.

Submission:

ClinGen Glaucoma Variant Curation Expert Panel
Classification: Uncertain significance for CYP1B1-related glaucoma with or without anterior segment dysgenesis. Last evaluated: 2026-10-27. Review status: reviewed by expert panel. Criteria: ClinGen Glaucoma ACMG Specifications CYP1B1 V2.0. Collection method: curation. Allele origin: germline. Inheritance: Autosomal recessive inheritance.
Comment: The c.320T>C variant in CYP1B1 is a missense variant predicted to cause substitution of Leucine by Proline at amino acid 107 (p.Leu107Pro). This variant was not found in any genetic ancestry group of gnomAD (v4.1), meeting the ≤ 0.0005 threshold set for PM2_Supporting in a genetic ancestry group of at least 2,000 alleles. The REVEL score = 0.802, which was within the 0.773-0.931 range for PP3_Moderate, predicting a damaging effect on CYP1B1 function. There was no functional evidence predicting a damaging or benign impact of this variant on CYP1B1 function. This variant has been identified in an individual with a CYP1B1-related phenotype. This individual is compound heterozygous for the variant and a pathogenic variant (confirmed in trans) (PMID: 42211217). Total proband points = 1, meeting PM3. In summary, this variant met the criteria to receive a score of 5 and to be classified as a variant of uncertain significance (uncertain significance classification range -1 to 5, adapted from PMID: 32720330) for CYP1B1-related glaucoma with or without anterior segment dysgenesis (ASD) based on the ACMG/AMP criteria met, as specified by the ClinGen Glaucoma VCEP (v2.0, 16.07.2026): PM3, PP3_Moderate, PM2_Supporting.